The following is an entry in ClinVar:

ClinVar aggregate classification (germline): Benign (1 of 4 stars; one submission).

Allele frequency attached by ClinVar (database versions not stated): 1000 Genomes Project 0.00060; 1000 Genomes Project 30x 0.00078; TOPMed 0.00093; gnomAD 0.00111; gnomAD exomes 0.00124.
gnomAD v4.1: 844 of 701,740 alleles (0.12%); highest among the groups gnomAD compares: Middle Eastern, 0.17%; no homozygotes.

Submission:

CeGaT Center for Human Genetics Tuebingen
Classification: Benign. Last evaluated: 2026-04-01. Review status: criteria provided, single submitter. Criteria: CeGaT Center For Human Genetics Tuebingen Variant Classification Criteria Version 2. Collection method: clinical testing. Allele origin: germline. Affected: yes. Observed: 5 variant alleles.
Comment: BRD4: BS1, BS2

NM_001379291.1(BRD4):c.2159-4307A>T

Gene: BRD4 (bromodomain containing 4; minus strand). Cytogenetic location: 19p13.12.
Variant type: single nucleotide variant.
Coding change: c.2159-4307A>T on transcript NM_001379291.1 (MANE Select); 4307 bases into the intron before coding-DNA position 2159, A replaced by T.
Molecular consequence: intron variant. On other transcripts: 3 prime UTR variant (2).
Genome position (GRCh38, 1-based): chr19:15,249,069, T>A on the plus strand (A>T on the coding strand, the complement: BRD4 is on the minus strand). VCF-style: chr19-15249069-T-A. GRCh37 (hg19) VCF-style: chr19-15359880-T-A.
Other names: c.*211A>T (NM_001379292.1, NM_014299.3); c.2159-4307A>T (NM_058243.3).
Identifiers: ClinVar variation 2649462 (VCV002649462.24), dbSNP rs561844363, ClinGen allele CA305795452.